The following is an entry in ClinVar:

ClinVar aggregate classification (germline): Benign/Likely benign. Review status: criteria provided, multiple submitters, no conflicts (2 of 4 stars). 9 submissions from 9 submitters: Benign (6); Likely benign (2). 1 of the submissions does not count toward it. Last evaluated 2026-02-03.

Conditions:
Epidermolysis bullosa simplex 5B, with muscular dystrophy (EBS5B). Also called: EPIDERMOLYSIS BULLOSA SIMPLEX AND LIMB-GIRDLE MUSCULAR DYSTROPHY; Epidermolysis bullosa simplex with muscular dystrophy. Identifiers: Orphanet 257, MedGen C2931072, MONDO:0009181, OMIM 226670.
Epidermolysis bullosa simplex with nail dystrophy (EBS5D). Identifiers: MedGen C4225309, MONDO:0014661, OMIM 616487.
Autosomal recessive limb-girdle muscular dystrophy type 2Q (LGMDR17). Also called: MUSCULAR DYSTROPHY, LIMB-GIRDLE, AUTOSOMAL RECESSIVE 17. Identifiers: Orphanet 254361, MedGen C3150989, MONDO:0013390, OMIM 613723.
Epidermolysis bullosa simplex, Ogna type (EBS5A). Also called: EPIDERMOLYSIS BULLOSA SIMPLEX 5A, OGNA TYPE; Pidermolysis bullosa simplex 5A, Ogna type. Identifiers: Orphanet 79401, MedGen C0432317, MONDO:0007555, OMIM 131950.
Epidermolysis bullosa simplex 5C, with pyloric atresia (EBS5C). Also called: PLEC-Related Epidermolysis Bullosa with Pyloric Atresia; Epidermolysis bullosa simplex with pyloric atresia; PLEC1-Related Epidermolysis Bullosa with Pyloric Atresia. Identifiers: Orphanet 158684, MedGen C2677349, MONDO:0012807, OMIM 612138.

Allele frequency attached by ClinVar (database versions not stated): 1000 Genomes Project 0.02396; gnomAD 0.02484 and 0.02486; 1000 Genomes Project 30x 0.02514; gnomAD exomes 0.02658 and 0.03831; ExAC 0.02856; TOPMed 0.03020.
gnomAD v4.1: 40,459 of 1,534,710 alleles (2.6%); highest among the groups gnomAD compares: Admixed American, 10%; 782 homozygotes.

Submissions (9):

Labcorp Genetics (formerly Invitae), Labcorp
Classification: Benign for Autosomal recessive limb-girdle muscular dystrophy type 2Q; Epidermolysis bullosa simplex, Ogna type; Epidermolysis bullosa simplex with nail dystrophy; Epidermolysis bullosa simplex 5C, with pyloric atresia; Epidermolysis bullosa simplex 5B, with muscular dystrophy. Last evaluated: 2026-02-03. Review status: criteria provided, single submitter. Criteria: Invitae Variant Classification Sherloc (09022015). Collection method: clinical testing. Allele origin: germline.

Blueprint Genetics
Classification: Benign. Last evaluated: 2024-11-27. Review status: criteria provided, single submitter. Criteria: ACMG Guidelines, 2015. Collection method: clinical testing. Allele origin: germline.

Mayo Clinic Laboratories, Mayo Clinic
Classification: Benign. Last evaluated: 2018-01-17. Review status: criteria provided, single submitter. Criteria: ACMG Guidelines, 2015. Collection method: clinical testing. Allele origin: germline. Observed: 98 variant alleles.

GeneDx
Classification: Benign. Last evaluated: 2016-02-18. Review status: criteria provided, single submitter. Criteria: GeneDx Variant Classification (06012015). Collection method: clinical testing. Allele origin: germline. Affected: yes.
Comment: This variant is considered likely benign or benign based on one or more of the following criteria: it is a conservative change, it occurs at a poorly conserved position in the protein, it is predicted to be benign by multiple in silico algorithms, and/or has population frequency not consistent with disease.

Laboratory for Molecular Medicine, Mass General Brigham Personalized Medicine
Classification: Benign. Last evaluated: 2015-01-13. Review status: criteria provided, single submitter. Criteria: LMM Criteria. Collection method: clinical testing. Allele origin: germline. Observed: 2 variant alleles.
Comment: p.Ala1880Ala in exon 31 of PLEC: This variant is not expected to have clinical s ignificance because it does not alter an amino acid residue and is not located w ithin the splice consensus sequence. It has been identified in 10.0% (12/120) of Colombian chromosomes from a broad population by the 1000 Genomes Project (dbSNP rs140406501).

Eurofins Ntd Llc (ga)
Classification: Benign. Last evaluated: 2013-10-08. Review status: criteria provided, single submitter. Criteria: EGL Classification Definitions 2015. Collection method: clinical testing. Allele origin: germline. Observed: 2 variant alleles, 2 heterozygotes.

Breakthrough Genomics
Classification: Likely benign. Review status: criteria provided, single submitter. Criteria: ACMG Guidelines, 2015. Collection method: not provided. Allele origin: germline. Inheritance: Autosomal recessive inheritance. Affected: yes.

PreventionGenetics, part of Exact Sciences
Classification: Likely benign. Review status: criteria provided, single submitter. Criteria: ACMG Guidelines, 2015. Collection method: clinical testing. Allele origin: germline.

Genetic Services Laboratory, University of Chicago
Classification: Likely benign for AllHighlyPenetrant. Review status: no assertion criteria provided. Collection method: clinical testing. Allele origin: germline. Inheritance: Autosomal recessive inheritance. Not counted in ClinVar's aggregate classification.
Comment: Likely benign based on allele frequency in 1000 Genomes Project or ESP global frequency and its presence in a patient with a rare or unrelated disease phenotype. NOT Sanger confirmed.

NM_201384.3(PLEC):c.5229G>A (p.Ala1743=)

Gene: PLEC (plectin; minus strand). Cytogenetic location: 8q24.3.
Variant type: single nucleotide variant.
Coding change: c.5229G>A on transcript NM_201384.3 (MANE Select); coding-DNA position 5229, G replaced by A.
Protein change: p.Ala1743=; no amino-acid change (alanine 1743 retained).
Molecular consequence: synonymous variant.
Genome position (GRCh38, 1-based): chr8:143,924,700, C>T on the plus strand (G>A on the coding strand, the complement: PLEC is on the minus strand). VCF-style: chr8-143924700-C-T. GRCh37 (hg19) VCF-style: chr8-144998868-C-T.
Other names: p.Ala1729=; c.5310G>A, p.Ala1770= (NM_000445.5); c.5187G>A, p.Ala1729= (NM_201378.4); c.5163G>A, p.Ala1721= (NM_201379.3); c.5640G>A, p.Ala1880= (NM_201380.4); c.5133G>A, p.Ala1711= (NM_201381.3); c.5229G>A, p.Ala1743= (NM_201382.4); c.5241G>A, p.Ala1747= (NM_201383.3).
Identifiers: ClinVar variation 93060 (VCV000093060.26), dbSNP rs140406501, ClinGen allele CA146428.